The following is an entry in ClinVar:

NM_016816.4(OAS1):c.839A>T (p.Asn280Ile)

Gene: OAS1 (2'-5'-oligoadenylate synthetase 1; plus strand). Cytogenetic location: 12q24.13.
Variant type: single nucleotide variant.
Coding change: c.839A>T on transcript NM_016816.4 (MANE Select); coding-DNA position 839, A replaced by T.
Protein change: p.Asn280Ile; replaces asparagine 280 with isoleucine.
Molecular consequence: missense variant.
Genome position (GRCh38, 1-based): chr12:112,916,693, A>T. VCF-style: chr12-112916693-A-T. GRCh37 (hg19) VCF-style: chr12-113354498-A-T.
Other names: c.839A>T, p.Asn280Ile (NM_001032409.3, NM_001320151.2, NM_002534.4); short protein forms N280I.
Identifiers: ClinVar variation 1472133 (VCV001472133.6), dbSNP rs3209727, ClinGen allele CA386806129.

ClinVar aggregate classification (germline): Uncertain significance (1 of 4 stars; one submission).

Submission:

Labcorp Genetics (formerly Invitae), Labcorp
Classification: Uncertain significance. Last evaluated: 2020-11-22. Review status: criteria provided, single submitter. Criteria: Invitae Variant Classification Sherloc (09022015). Collection method: clinical testing. Allele origin: germline.
Comment: In summary, the available evidence is currently insufficient to determine the role of this variant in disease. Therefore, it has been classified as a Variant of Uncertain Significance. Algorithms developed to predict the effect of missense changes on protein structure and function are either unavailable or do not agree on the potential impact of this missense change (SIFT: "Not Available"; PolyPhen-2: "Possibly Damaging"; Align-GVGD: "Not Available"). This variant has not been reported in the literature in individuals with OAS1-related conditions. This variant is not present in population databases (ExAC no frequency). This sequence change replaces asparagine with isoleucine at codon 280 of the OAS1 protein (p.Asn280Ile). The asparagine residue is moderately conserved and there is a large physicochemical difference between asparagine and isoleucine.